The following is an entry in ClinVar:

NM_000452.3(SLC10A2):c.389C>T (p.Thr130Ile)

Gene: SLC10A2 (solute carrier family 10 member 2; minus strand). Cytogenetic location: 13q33.1.
Variant type: single nucleotide variant.
Coding change: c.389C>T on transcript NM_000452.3 (MANE Select); coding-DNA position 389, C replaced by T.
Protein change: p.Thr130Ile; replaces threonine 130 with isoleucine.
Molecular consequence: missense variant.
Genome position (GRCh38, 1-based): chr13:103,058,371, G>A on the plus strand (C>T on the coding strand, the complement: SLC10A2 is on the minus strand). VCF-style: chr13-103058371-G-A. GRCh37 (hg19) VCF-style: chr13-103710721-G-A.
Other names: c.389C>T (NM_000452.2); short protein forms T130I.
Identifiers: ClinVar variation 598413 (VCV000598413.13), dbSNP rs201341384, ClinGen allele CA7042241.

ClinVar aggregate classification (germline): Uncertain significance. Review status: criteria provided, multiple submitters, no conflicts (2 of 4 stars). 5 submissions from 5 submitters: Uncertain significance (5). Last evaluated 2026-09-16.

Conditions:
Bile acid malabsorption, primary, 1 (PBAM1). Also called: Bile acid malabsorption, primary. Identifiers: MedGen C5561934, MONDO:0013214, OMIM 613291.
SLC10A2-related disorder. Also called: SLC10A2-related condition.

Allele frequency attached by ClinVar (database versions not stated): gnomAD 0.00003 and 0.00004; ExAC 0.00005; gnomAD exomes 0.00006 and 0.00010; TOPMed 0.00006.
gnomAD v4.1: 99 of 1,607,458 alleles (0.0062%); highest among the groups gnomAD compares: Middle Eastern, 0.15%; no homozygotes.

Submissions (5):

PreventionGenetics, part of Exact Sciences
Classification: Uncertain significance for SLC10A2-related condition. Last evaluated: 2026-09-16. Review status: criteria provided, single submitter. Criteria: ACMG Guidelines, 2015. Collection method: clinical testing. Allele origin: germline.
Comment: The SLC10A2 c.389C>T variant is predicted to result in the amino acid substitution p.Thr130Ile. To our knowledge, this variant has not been reported in the literature. This variant is reported in 0.014% of alleles in individuals of European (Non-Finnish) descent in gnomAD. At this time, the clinical significance of this variant is uncertain due to the absence of conclusive functional and genetic evidence.

Labcorp Genetics (formerly Invitae), Labcorp
Classification: Uncertain significance. Last evaluated: 2025-11-18. Review status: criteria provided, single submitter. Criteria: Invitae Variant Classification Sherloc (09022015). Collection method: clinical testing. Allele origin: germline.
Comment: This sequence change replaces threonine, which is neutral and polar, with isoleucine, which is neutral and non-polar, at codon 130 of the SLC10A2 protein (p.Thr130Ile). This variant is present in population databases (rs201341384, gnomAD 0.01%). This variant has not been reported in the literature in individuals affected with SLC10A2-related conditions. ClinVar contains an entry for this variant (Variation ID: 598413). Invitae Evidence Modeling of protein sequence and biophysical properties (such as structural, functional, and spatial information, amino acid conservation, physicochemical variation, residue mobility, and thermodynamic stability) indicates that this missense variant is expected to disrupt SLC10A2 protein function with a positive predictive value of 80%. In summary, the available evidence is currently insufficient to determine the role of this variant in disease. Therefore, it has been classified as a Variant of Uncertain Significance.

Ambry Genetics
Classification: Uncertain significance. Last evaluated: 2025-08-01. Review status: criteria provided, single submitter. Criteria: Ambry Variant Classification Scheme 2023. Collection method: clinical testing. Allele origin: germline.

Fulgent Genetics
Classification: Uncertain significance for Bile acid malabsorption, primary, 1. Last evaluated: 2021-08-25. Review status: criteria provided, single submitter. Criteria: ACMG Guidelines, 2015. Collection method: clinical testing. Allele origin: unknown.

Eurofins Ntd Llc (ga)
Classification: Uncertain significance. Last evaluated: 2018-08-17. Review status: criteria provided, single submitter. Criteria: EGL ClinVar v180209 classification definitions. Collection method: clinical testing. Allele origin: germline. Observed: 1 variant allele, 1 heterozygote.